The following is an entry in ClinVar:

NM_000540.3(RYR1):c.9758T>C (p.Ile3253Thr)

Gene: RYR1 (ryanodine receptor 1; plus strand). Cytogenetic location: 19q13.2.
Variant type: single nucleotide variant.
Coding change: c.9758T>C on transcript NM_000540.3 (MANE Select); coding-DNA position 9758, T replaced by C.
Protein change: p.Ile3253Thr; replaces isoleucine 3253 with threonine.
Molecular consequence: missense variant.
Genome position (GRCh38, 1-based): chr19:38,517,431, T>C. VCF-style: chr19-38517431-T-C. GRCh37 (hg19) VCF-style: chr19-39008071-T-C.
Other names: NM_000540.2(RYR1):c.9758T>C; p.Ile3253Thr; NM_000540.3(RYR1):c.9758T>C; c.9758T>C, p.Ile3253Thr (NM_001042723.2); short protein forms I3253T.
Identifiers: ClinVar variation 159865 (VCV000159865.31), dbSNP rs375626634, ClinGen allele CA025003.

ClinVar aggregate classification (germline): Uncertain significance. Review status: reviewed by expert panel (3 of 4 stars). 16 submissions from 14 submitters: Uncertain significance (2). 14 of the submissions do not count toward it. Last evaluated 2026-08-10.

Conditions:
RYR1-related myopathy. Identifiers: Orphanet 98742, MedGen CN305348, MONDO:0100150.
RYR1-related disorder. Also called: RYR1-related disorders; RYR1-related condition. Identifiers: MedGen CN239331.
Congenital myopathy. Identifiers: Orphanet 97245, MedGen C0270960, MONDO:0019952.
Limb-girdle muscular dystrophy (LGMD). Also called: Muscular Dystrophies, Limb-Girdle. Identifiers: Orphanet 263, MedGen C0686353, MeSH D049288, MONDO:0016971, HP:0006785.
Central core myopathy (CMYO1A). Also called: CONGENITAL MYOPATHY 1A, AUTOSOMAL DOMINANT, WITH SUSCEPTIBILITY TO MALIGNANT HYPERTHERMIA; Central core disease; Myopathy, central fibrillar. Identifiers: Orphanet 597, MedGen C5830701, MONDO:0007294, OMIM 117000.
Congenital multicore myopathy with external ophthalmoplegia (CMYO1B). Also called: MULTICORE MYOPATHY; MULTIMINICORE DISEASE WITH EXTERNAL OPHTHALMOPLEGIA; Congenital myopathy 1B, autosomal recessive; Minicore myopathy; Minicore myopathy with external ophthalmoplegia. Identifiers: Orphanet 598, Orphanet 98905, MedGen C1850674, MONDO:0009712, OMIM 255320, HP:0003789.
Malignant hyperthermia, susceptibility to, 1 (MHS1). Also called: RYR1-Related Malignant Hyperthermia Susceptibility; Anesthesia related hyperthermia; Malignant hyperpyrexia; Fulminating hyperpyrexia; Pharmacogenic myopathy; Malignant hyperthermia suceptibility 1. Identifiers: Orphanet 423, MedGen C2930980, MONDO:0007783, OMIM 145600.

Allele frequency attached by ClinVar (database versions not stated): gnomAD exomes 0.00002 and 0.00004; gnomAD 0.00006 and 0.00005; 1000 Genomes Project 30x 0.00016; ExAC 0.00004; ESP Exome Variant Server 0.00008; 1000 Genomes Project 0.00020; TOPMed 0.00007.
gnomAD v4.1: 40 of 1,613,914 alleles (0.0025%); highest among the groups gnomAD compares: Middle Eastern, 0.017%; no homozygotes.

Submissions 1 to 8 of 16:

ClinGen Congenital Myopathies Variant Curation Expert Panel, ClinGen
Classification: Uncertain significance for RYR1-related myopathy. Last evaluated: 2026-08-10. Review status: reviewed by expert panel. Criteria: ClinGen CongenMyopathy ACMG Specifications RYR1 AR V2.0.0. Collection method: curation. Allele origin: germline. Inheritance: Autosomal recessive inheritance.
Comment: The NM_000540.3(RYR1):c.9758T>C variant in RYR1 is a missense variant predicted to cause substitution of isoleucine by threonine at amino acid 3253 (p.Ile3253Thr). The highest population minor allele frequency in gnomAD v4.1.1 is 0.0001651 (1/6058 alleles) in the Middle Eastern population (PM2_Supporting). The computational predictor REVEL gives a score of 0.845, which is above the threshold of 0.7, evidence that correlates with impact to RYR1 function (PP3). This variant has been detected in trans with a pathogenic variant in at least one individual with clinical features compatible with RYR1-related myopathy and characteristic muscle imaging, and muscle biopsy showing features consistent with centronuclear myopathy, which is compatible with autosomal recessive RYR1-related myopathy (PM3, PP4; PMID: 23826317, 30611313). In summary, this variant meets the criteria to be classified as a variant of uncertain significance for RYR1-related myopathy based on the ACMG/AMP criteria applied, as specified by the ClinGen Congenital Myopathies VCEP: PM2_Supporting, PP3, PM3, PP4 (ClinGen Congenital Myopathies VCEP specifications version 2.0).

ClinGen Malignant Hyperthermia Susceptibility Variant Curation Expert Panel, ClinGen
Classification: Uncertain significance for Malignant hyperthermia, susceptibility to, 1. Last evaluated: 2025-08-01. Review status: reviewed by expert panel. Criteria: ClinGen MHS ACMG Specifications V2. Collection method: curation. Allele origin: germline. Inheritance: Autosomal dominant inheritance.
Comment: This pathogenicity assessment is relevant only for malignant hyperthermia susceptibility (MHS) inherited in an autosomal dominant pattern. Variants in RYR1 can also cause other myopathies inherited in an autosomal dominant pattern or in an autosomal recessive pattern. Some of these disorders may predispose individuals to malignant hyperthermia. RYR1 variants may also contribute to a malignant hyperthermia reaction in combination with other genetic and non-genetic factors and the clinician needs to consider such factors in making management decisions. This sequence variant predicts a substitution of isoleucine with threonine at codon 3253 of the RYR1 protein, p.(Ile3253Thr). The maximum allele frequency for this variant among the six major gnomAD populations is AFR: 0.000201, a frequency consistent with pathogenicity for MHS. This variant has not to our knowledge been reported in any individuals with a personal history of an MH episode or a positive in vitro contracture test (IVCT) or caffeine halothane contracture test (CHCT) result. No functional studies were identified for this variant. This variant does not reside in a hotspot for pathogenic variants that contribute to MHS. A REVEL score of 0.845 supports neither a pathogenic nor a benign status for this variant. This variant has been classified a Variant of Unknown Significance. Criteria implemented: none.

Labcorp Genetics (formerly Invitae), Labcorp
Classification: Likely pathogenic for RYR1-related disorder. Last evaluated: 2025-12-16. Review status: criteria provided, single submitter. Criteria: Invitae Variant Classification Sherloc (09022015). Collection method: clinical testing. Allele origin: germline. Not counted in ClinVar's aggregate classification.
Comment: This sequence change replaces isoleucine, which is neutral and non-polar, with threonine, which is neutral and polar, at codon 3253 of the RYR1 protein (p.Ile3253Thr). The frequency data for this variant in the population databases is considered unreliable, as metrics indicate poor data quality at this position in the gnomAD database. This missense change has been observed in individual(s) with autosomal dominant malignant hyperthermia and/or central core myopathy (PMID: 23035052, 26994242, 32054689, 33458582). This variant has been reported in individual(s) with autosomal recessive congenital myopathy (PMID: 23826317); however, the role of the variant in this condition is currently unclear. ClinVar contains an entry for this variant (Variation ID: 159865). Invitae Evidence Modeling of protein sequence and biophysical properties (such as structural, functional, and spatial information, amino acid conservation, physicochemical variation, residue mobility, and thermodynamic stability) indicates that this missense variant is not expected to disrupt RYR1 protein function with a negative predictive value of 80%. In summary, the currently available evidence indicates that the variant is pathogenic, but additional data are needed to prove that conclusively. Therefore, this variant has been classified as Likely Pathogenic.

All of Us Research Program, National Institutes of Health
Classification: Uncertain significance for Malignant hyperthermia, susceptibility to, 1. Last evaluated: 2024-09-23. Review status: criteria provided, single submitter. Criteria: ACMG Guidelines, 2015. Collection method: clinical testing. Allele origin: germline. Inheritance: Autosomal dominant inheritance. Observed: 11 variant alleles, 11 heterozygotes. Not counted in ClinVar's aggregate classification.
Comment: This missense variant replaces isoleucine with threonine at codon 3253 of the RYR1 protein. Computational prediction suggests that this variant may have deleterious impact on protein structure and function (internally defined REVEL score threshold >= 0.7, PMID: 27666373). To our knowledge, functional studies have not been reported for this variant. This variant has been reported in individuals affected with malignant hyperthermia susceptibility (PMID: 23035052, 25658027, 26994242). This variant has been identified in 10/280974 chromosomes in the general population by the Genome Aggregation Database (gnomAD). The available evidence is insufficient to determine the role of this variant in disease conclusively. Therefore, this variant is classified as a Variant of Uncertain Significance.

This study involves interpretation of variants in research participants for the purpose of population health screening. Participant phenotype was not available at the time of variant classification. Additional details can be found in publication PMID: 35346344, PMCID: PMC8962531

Blueprint Genetics
Classification: Uncertain significance. Last evaluated: 2023-11-08. Review status: criteria provided, single submitter. Criteria: ACMG Guidelines, 2015. Collection method: clinical testing. Allele origin: germline. Not counted in ClinVar's aggregate classification.

GeneDx
Classification: Uncertain significance. Last evaluated: 2023-04-03. Review status: criteria provided, single submitter. Criteria: GeneDx Variant Classification Process June 2021. Collection method: clinical testing. Allele origin: germline. Affected: yes. Not counted in ClinVar's aggregate classification.
Comment: Reported previously as a variant of uncertain significance in a patient with a clinical diagnosis of congenital myopathy; however, no further clinical or segregation information was provided (Galleni Leo et al., 2020); Identified in individuals with heat stroke (Schiermann et al., 2013) and malignant hyperthermia (Roux-Buisson et al., 2016), however was reported to not segregate with malignant hyperthermia in the family (Roux-Buisson et al., 2016); Reported in one affected individual and described as a likely pathogenic variant in association with exertional heat illness, myalgia and hyperCKemia (Gardner et al., 2020); In silico analysis supports that this missense variant has a deleterious effect on protein structure/function; This variant is associated with the following publications: (PMID: 28326467, 23035052, 26994242, 25637381, 30611313, 32054689, 23826317, 33458582)

Revvity Omics, Revvity
Classification: Uncertain significance. Last evaluated: 2022-04-29. Review status: criteria provided, single submitter. Criteria: ACMG Guidelines, 2015. Collection method: clinical testing. Allele origin: germline. Not counted in ClinVar's aggregate classification.

Cambridge Genomics Laboratory, East Genomic Laboratory Hub, NHS Genomic Medicine Service
Classification: Uncertain significance for Limb-girdle muscular dystrophy. Last evaluated: 2019-07-11. Review status: criteria provided, single submitter. Criteria: ACGS Best Practice Guidelines for Variant Classification in Rare Disease 2020. Collection method: clinical testing. Allele origin: germline. Affected: yes. Observed: 1 variant allele. Not counted in ClinVar's aggregate classification.